The following is an entry in ClinVar:

ClinVar aggregate classification (germline): Likely benign. Review status: criteria provided, single submitter (1 of 4 stars). 2 submissions from 2 submitters: Likely benign (1). 1 of the submissions does not count toward it. Last evaluated 2025-09-01.

Conditions:
IFT172-related disorder. Also called: IFT172-related disorders; IFT172-related condition.
Short-rib thoracic dysplasia 10 with or without polydactyly (SRTD10). Identifiers: Orphanet 474, MedGen C3810175, MONDO:0014284, OMIM 615630.
Retinitis pigmentosa 71 (RP71). Identifiers: Orphanet 791, MedGen C4225342, MONDO:0014618, OMIM 616394.

Allele frequency attached by ClinVar (database versions not stated): ExAC 0.00001; gnomAD 0.00001; gnomAD exomes 0.00001.

Submissions (2):

Labcorp Genetics (formerly Invitae), Labcorp
Classification: Likely benign for Retinitis pigmentosa 71; Short-rib thoracic dysplasia 10 with or without polydactyly. Last evaluated: 2025-09-01. Review status: criteria provided, single submitter. Criteria: Invitae Variant Classification Sherloc (09022015). Collection method: clinical testing. Allele origin: germline.

PreventionGenetics, part of Exact Sciences
Classification: Likely benign for IFT172-related condition. Last evaluated: 2023-05-17. Review status: no assertion criteria provided. Collection method: clinical testing. Allele origin: germline. Not counted in ClinVar's aggregate classification.
Comment: This variant is classified as likely benign based on ACMG/AMP sequence variant interpretation guidelines (Richards et al. 2015 PMID: 25741868, with internal and published modifications).

NM_015662.3(IFT172):c.1935G>A (p.Glu645=)

Gene: IFT172 (intraflagellar transport 172; minus strand). Cytogenetic location: 2p23.3.
Variant type: single nucleotide variant.
Coding change: c.1935G>A on transcript NM_015662.3 (MANE Select); coding-DNA position 1935, G replaced by A.
Protein change: p.Glu645=; no amino-acid change (glutamic acid 645 retained).
Molecular consequence: synonymous variant.
Genome position (GRCh38, 1-based): chr2:27,465,413, C>T on the plus strand (G>A on the coding strand, the complement: IFT172 is on the minus strand). VCF-style: chr2-27465413-C-T. GRCh37 (hg19) VCF-style: chr2-27688280-C-T.
Other names: c.1935G>A (NM_015662.2).
Identifiers: ClinVar variation 1152301 (VCV001152301.11), dbSNP rs755341436, ClinGen allele CA1580489.